The following is an entry in ClinVar:

NM_001130009.3(GEN1):c.737G>A (p.Cys246Tyr)

Gene: GEN1 (GEN1 structure-specific endonuclease; plus strand). Cytogenetic location: 2p24.2.
Variant type: single nucleotide variant.
Coding change: c.737G>A on transcript NM_001130009.3 (MANE Select); coding-DNA position 737, G replaced by A.
Protein change: p.Cys246Tyr; replaces cysteine 246 with tyrosine.
Molecular consequence: missense variant.
Genome position (GRCh38, 1-based): chr2:17,771,222, G>A. VCF-style: chr2-17771222-G-A. GRCh37 (hg19) VCF-style: chr2-17952489-G-A.
Other names: c.737G>A, p.Cys246Tyr (NM_182625.5); short protein forms C246Y.
Identifiers: ClinVar variation 2180845 (VCV002180845.4), dbSNP rs753219352, ClinGen allele CA1540543.

ClinVar aggregate classification (germline): Uncertain significance (1 of 4 stars; one submission).

Allele frequency attached by ClinVar (database versions not stated): ExAC 0.00001; gnomAD exomes 0.00001.

Submission:

Labcorp Genetics (formerly Invitae), Labcorp
Classification: Uncertain significance. Last evaluated: 2022-10-26. Review status: criteria provided, single submitter. Criteria: Invitae Variant Classification Sherloc (09022015). Collection method: clinical testing. Allele origin: germline.
Comment: This sequence change replaces cysteine, which is neutral and slightly polar, with tyrosine, which is neutral and polar, at codon 246 of the GEN1 protein (p.Cys246Tyr). This variant is not present in population databases (gnomAD no frequency). This variant has not been reported in the literature in individuals affected with GEN1-related conditions. Algorithms developed to predict the effect of missense changes on protein structure and function output the following: SIFT: "Tolerated"; PolyPhen-2: "Benign"; Align-GVGD: "Class C0". The tyrosine amino acid residue is found in multiple mammalian species, which suggests that this missense change does not adversely affect protein function. In summary, the available evidence is currently insufficient to determine the role of this variant in disease. Therefore, it has been classified as a Variant of Uncertain Significance.